The following is an entry in ClinVar:

ClinVar aggregate classification (germline): Conflicting classifications of pathogenicity. Review status: criteria provided, conflicting classifications (1 of 4 stars). 7 submissions from 7 submitters: Uncertain significance (5); Likely benign (1). 1 of the submissions does not count toward it. Last evaluated 2025-01-13.

Conditions:
Fanconi anemia complementation group C (FANCC). Also called: FANCONI PANCYTOPENIA, TYPE 3; FACC; Fanconi anemia, group C; FANCC-Related Fanconi Anemia. Identifiers: Orphanet 84, MedGen C3468041, MONDO:0009213, OMIM 227645.
Fanconi anemia (FA). Also called: Fanconi's anemia. Identifiers: Orphanet 84, MedGen C0015625, MeSH D005199, MONDO:0019391.
Hereditary cancer-predisposing syndrome. Also called: Hereditary neoplastic syndrome; Tumor predisposition; Neoplastic Syndromes, Hereditary; Hereditary Cancer Syndrome. Identifiers: Orphanet 140162, MedGen C0027672, MeSH D009386, MONDO:0015356.

Allele frequency attached by ClinVar (database versions not stated): gnomAD exomes below 0.00001; TOPMed below 0.00001; gnomAD 0.00001; 1000 Genomes Project 30x 0.00016; 1000 Genomes Project 0.00020.
gnomAD v4.1: 3 of 1,614,178 alleles (0.00019%); highest among the groups gnomAD compares: East Asian, 0.0067%; no homozygotes.

Submissions (7):

Labcorp Genetics (formerly Invitae), Labcorp
Classification: Uncertain significance for Fanconi anemia. Last evaluated: 2025-01-13. Review status: criteria provided, single submitter. Criteria: Invitae Variant Classification Sherloc (09022015). Collection method: clinical testing. Allele origin: germline.
Comment: This sequence change replaces alanine, which is neutral and non-polar, with valine, which is neutral and non-polar, at codon 415 of the FANCC protein (p.Ala415Val). This variant is present in population databases (rs550462055, gnomAD 0.006%). This variant has not been reported in the literature in individuals affected with FANCC-related conditions. ClinVar contains an entry for this variant (Variation ID: 418852). Invitae Evidence Modeling of protein sequence and biophysical properties (such as structural, functional, and spatial information, amino acid conservation, physicochemical variation, residue mobility, and thermodynamic stability) indicates that this missense variant is not expected to disrupt FANCC protein function with a negative predictive value of 80%. In summary, the available evidence is currently insufficient to determine the role of this variant in disease. Therefore, it has been classified as a Variant of Uncertain Significance.

GeneDx
Classification: Uncertain significance. Last evaluated: 2024-06-02. Review status: criteria provided, single submitter. Criteria: GeneDx Variant Classification Process June 2021. Collection method: clinical testing. Allele origin: germline. Affected: yes.
Comment: Not observed at significant frequency in large population cohorts (gnomAD); In silico analysis indicates that this missense variant does not alter protein structure/function; Has not been previously published as pathogenic or benign to our knowledge; This variant is associated with the following publications: (PMID: Gordon2000[Book])

Ambry Genetics
Classification: Likely benign for Hereditary cancer-predisposing syndrome. Last evaluated: 2024-03-25. Review status: criteria provided, single submitter. Criteria: Ambry Variant Classification Scheme 2023. Collection method: clinical testing. Allele origin: germline.

St. Jude Molecular Pathology, St. Jude Children's Research Hospital
Classification: Uncertain significance for Fanconi anemia complementation group C. Last evaluated: 2023-05-10. Review status: criteria provided, single submitter. Criteria: St. Jude Assertion Criteria 2020. Collection method: clinical testing. Allele origin: germline.
Comment: The FANCC c.1244C>T (p.Ala415Val) missense has a maximum subpopulation frequency of 0.005% in gnomAD v2.1.1. The in silico tool REVEL predicts a benign effect on protein function, but to our knowledge this prediction has not been confirmed by functional studies. To our knowledge, this variant has not been reported in individuals with Fanconi anemia. In summary, the evidence currently available is insufficient to determine the clinical significance of this variant. It has therefore been classified as of uncertain significance.?

Women's Health and Genetics/Laboratory Corporation of America, LabCorp
Classification: Uncertain significance. Last evaluated: 2022-03-14. Review status: criteria provided, single submitter. Criteria: LabCorp Variant Classification Summary - May 2015. Collection method: clinical testing. Allele origin: germline.
Comment: Variant summary: FANCC c.1244C>T (p.Ala415Val) results in a non-conservative amino acid change in the encoded protein sequence. Three of five in-silico tools predict a benign effect of the variant on protein function. The variant allele was found at a frequency of 4e-06 in 251428 control chromosomes (gnomAD). The available data on variant occurrences in the general population are insufficient to allow any conclusion about variant significance. To our knowledge, no occurrence of c.1244C>T in individuals affected with Fanconi Anemia Group C and no experimental evidence demonstrating its impact on protein function have been reported. Four clinical diagnostic laboratories have submitted clinical-significance assessments for this variant to ClinVar after 2014 and all classified the variant as uncertain significance. Based on the evidence outlined above, the variant was classified as uncertain significance.

Fulgent Genetics
Classification: Uncertain significance for Fanconi anemia complementation group C. Last evaluated: 2022-01-11. Review status: criteria provided, single submitter. Criteria: ACMG Guidelines, 2015. Collection method: clinical testing. Allele origin: unknown.

Natera, Inc.
Classification: Uncertain significance for Fanconi anemia, group C. Last evaluated: 2018-09-19. Review status: no assertion criteria provided. Collection method: clinical testing. Allele origin: germline. Not counted in ClinVar's aggregate classification.

NM_000136.3(FANCC):c.1244C>T (p.Ala415Val)

Genes: AOPEP (aminopeptidase O (putative); plus strand), FANCC (FA complementation group C; minus strand). Cytogenetic location: 9q22.32.
Variant type: single nucleotide variant.
Coding change: c.1244C>T on transcript NM_000136.3 (MANE Select); coding-DNA position 1244, C replaced by T.
Protein change: p.Ala415Val; replaces alanine 415 with valine.
Molecular consequence: missense variant.
Genome position (GRCh38, 1-based): chr9:95,111,548, G>A on the plus strand (C>T on the coding strand, the complement: FANCC is on the minus strand). VCF-style: chr9-95111548-G-A. GRCh37 (hg19) VCF-style: chr9-97873830-G-A.
Other names: c.1244C>T, p.Ala415Val (NM_001243743.2, NM_001243744.2); short protein forms A415V.
Identifiers: ClinVar variation 418852 (VCV000418852.17), dbSNP rs550462055, ClinGen allele CA16618879.